The following is an entry in ClinVar:

NM_001374736.1(DST):c.21992G>A (p.Gly7331Glu)

Gene: DST (dystonin; minus strand). Cytogenetic location: 6p12.1.
Variant type: single nucleotide variant.
Coding change: c.21992G>A on transcript NM_001374736.1 (MANE Select); coding-DNA position 21992, G replaced by A.
Protein change: p.Gly7331Glu; replaces glycine 7331 with glutamic acid.
Molecular consequence: missense variant.
Genome position (GRCh38, 1-based): chr6:56,473,875, C>T on the plus strand (G>A on the coding strand, the complement: DST is on the minus strand). VCF-style: chr6-56473875-C-T. GRCh37 (hg19) VCF-style: chr6-56338673-C-T.
Other names: c.15635G>A, p.Gly5212Glu (NM_001144769.5); c.15221G>A, p.Gly5074Glu (NM_001144770.2); c.21992G>A, p.Gly7331Glu (NM_001374722.1); c.21032G>A, p.Gly7011Glu (NM_001374729.1); c.14774G>A, p.Gly4925Glu (NM_001374730.1); c.22019G>A, p.Gly7340Glu (NM_001374734.1); c.14123G>A, p.Gly4708Glu (NM_015548.5); c.15101G>A, p.Gly5034Glu (NM_183380.4); short protein forms G4925E, G5034E, G7011E, G4708E, G5074E, G5212E, G7331E, G7340E.
Identifiers: ClinVar variation 965706 (VCV000965706.8), dbSNP rs781156041, ClinGen allele CA3866360.

ClinVar aggregate classification (germline): Uncertain significance (1 of 4 stars; one submission).

Conditions:
Hereditary sensory and autonomic neuropathy type 6. Also called: Neuropathy, hereditary sensory and autonomic, type VI; HSAN VI. Identifiers: Orphanet 314381, MedGen C3539003, MONDO:0013839, OMIM 614653.
Epidermolysis bullosa simplex 3, localized or generalized intermediate, with BP230 deficiency (EBS3). Also called: Epidermolysis bullosa simplex, autosomal recessive 2; Epidermolysis bullosa simplex due to BP230 deficiency. Identifiers: Orphanet 412181, MedGen C3809470, MONDO:0014180, OMIM 615425.

Allele frequency attached by ClinVar (database versions not stated): gnomAD 0.00001; gnomAD exomes 0.00001 and 0.00002; TOPMed 0.00001; ExAC 0.00005.
gnomAD v4.1: 11 of 1,597,700 alleles (0.00069%); highest among the groups gnomAD compares: Non-Finnish European, 0.00094%; no homozygotes.

Submission:

Labcorp Genetics (formerly Invitae), Labcorp
Classification: Uncertain significance for Epidermolysis bullosa simplex 3, localized or generalized intermediate, with BP230 deficiency; Hereditary sensory and autonomic neuropathy type 6. Last evaluated: 2019-08-30. Review status: criteria provided, single submitter. Criteria: Invitae Variant Classification Sherloc (09022015). Collection method: clinical testing. Allele origin: germline.
Comment: In summary, the available evidence is currently insufficient to determine the role of this variant in disease. Therefore, it has been classified as a Variant of Uncertain Significance. Algorithms developed to predict the effect of missense changes on protein structure and function are either unavailable or do not agree on the potential impact of this missense change (SIFT: "Deleterious"; PolyPhen-2: "Not Available"; Align-GVGD: "Class C0"). This variant has not been reported in the literature in individuals with DST-related conditions. This variant is present in population databases (rs781156041, ExAC 0.01%). This sequence change replaces glycine with glutamic acid at codon 4708 of the DST protein (p.Gly4708Glu). The glutamic acid residue is moderately conserved and there is a moderate physicochemical difference between glycine and glutamic acid. The DST gene has multiple clinically relevant transcripts. The p.Gly4708Glu variant occurs in alternate transcript NM_015548.4, which corresponds to c.*141642G>A in NM_001723.5, the primary transcript listed in the Methods.